The following is an entry in ClinVar:

ClinVar aggregate classification (germline): Pathogenic (1 of 4 stars; one submission).

Submission:

GeneDx
Classification: Pathogenic. Last evaluated: 2016-08-04. Review status: criteria provided, single submitter. Criteria: GeneDx Variant Classification (06012015). Collection method: clinical testing. Allele origin: germline. Affected: yes.
Comment: The H384R variant in the EGR2 gene has been reported previously in the heterozygous state as an apparently de novo occurrence in an individual with congenital hypomyelinating neuropathy who presented in infancy with hypotonia and failure to thrive and developed facial and limb weakness, pain insensitivity, areflexia, symptoms of autonomic dysfunction, and respiratory failure (Yum et al., 2014). The H384R variant was not observed in approximately 6,500 individuals of European and African American ancestry in the NHLBI Exome Sequencing Project, indicating it is not a common benign variant in these populations. The H384R variant is a conservative amino acid substitution, which occurs within the Zinc finger-2 domain at a position that is conserved across species. In silico analysis predicts this variant is probably damaging to the protein structure/function. We interpret H384R as a pathogenic variant.

NM_000399.5(EGR2):c.1151A>G (p.His384Arg)

Gene: EGR2 (early growth response 2; minus strand). Cytogenetic location: 10q21.3.
Variant type: single nucleotide variant.
Coding change: c.1151A>G on transcript NM_000399.5 (MANE Select); coding-DNA position 1151, A replaced by G.
Protein change: p.His384Arg; replaces histidine 384 with arginine.
Molecular consequence: missense variant.
Genome position (GRCh38, 1-based): chr10:62,813,487, T>C on the plus strand (A>G on the coding strand, the complement: EGR2 is on the minus strand). VCF-style: chr10-62813487-T-C. GRCh37 (hg19) VCF-style: chr10-64573247-T-C.
Other names: c.1151A>G, p.His384Arg (NM_001136177.3, NM_001136178.2); c.1001A>G, p.His334Arg (NM_001136179.3, NM_001321037.2); short protein forms H384R, H334R.
Identifiers: ClinVar variation 246474 (VCV000246474.2), dbSNP rs879254278, ClinGen allele CA10584305.